The following is an entry in ClinVar:

NM_001853.4(COL9A3):c.753C>G (p.Phe251Leu)

Gene: COL9A3 (collagen type IX alpha 3 chain; plus strand). Cytogenetic location: 20q13.33.
Variant type: single nucleotide variant.
Coding change: c.753C>G on transcript NM_001853.4 (MANE Select); coding-DNA position 753, C replaced by G.
Protein change: p.Phe251Leu; replaces phenylalanine 251 with leucine.
Molecular consequence: missense variant.
Genome position (GRCh38, 1-based): chr20:62,826,781, C>G. VCF-style: chr20-62826781-C-G. GRCh37 (hg19) VCF-style: chr20-61458133-C-G.
Other names: short protein forms F251L.
Identifiers: ClinVar variation 983520 (VCV000983520.12), dbSNP rs376779544, ClinGen allele CA317331511.

ClinVar aggregate classification (germline): Uncertain significance. Review status: criteria provided, multiple submitters, no conflicts (2 of 4 stars). 4 submissions from 4 submitters: Uncertain significance (4). Last evaluated 2025-12-29.

Conditions:
Inborn genetic diseases. Identifiers: MedGen C0950123, MeSH D030342.
Epiphyseal dysplasia, multiple, 3 (EDM3). Also called: COL9A3-Related Multiple Epiphyseal Dysplasia; Epiphyseal dysplasia, multiple, 3, with or without myopathy. Identifiers: MedGen C1832998, MONDO:0010964, OMIM 600969.

Allele frequency attached by ClinVar (database versions not stated): TOPMed 0.00003; gnomAD exomes 0.00004 and 0.00005; gnomAD 0.00005 and 0.00006; ESP Exome Variant Server 0.00008.
gnomAD v4.1: 88 of 1,612,674 alleles (0.0055%); highest among the groups gnomAD compares: Non-Finnish European, 0.0069%; no homozygotes.

Submissions (4):

Labcorp Genetics (formerly Invitae), Labcorp
Classification: Uncertain significance. Last evaluated: 2025-12-29. Review status: criteria provided, single submitter. Criteria: Invitae Variant Classification Sherloc (09022015). Collection method: clinical testing. Allele origin: germline.
Comment: This sequence change replaces phenylalanine, which is neutral and non-polar, with leucine, which is neutral and non-polar, at codon 251 of the COL9A3 protein (p.Phe251Leu). This variant is present in population databases (rs376779544, gnomAD 0.009%). This variant has not been reported in the literature in individuals affected with COL9A3-related conditions. ClinVar contains an entry for this variant (Variation ID: 983520). Invitae Evidence Modeling of protein sequence and biophysical properties (such as structural, functional, and spatial information, amino acid conservation, physicochemical variation, residue mobility, and thermodynamic stability) indicates that this missense variant is not expected to disrupt COL9A3 protein function with a negative predictive value of 95%. In summary, the available evidence is currently insufficient to determine the role of this variant in disease. Therefore, it has been classified as a Variant of Uncertain Significance.

Ambry Genetics
Classification: Uncertain significance for Inborn genetic diseases. Last evaluated: 2024-04-19. Review status: criteria provided, single submitter. Criteria: Ambry Variant Classification Scheme 2023. Collection method: clinical testing. Allele origin: germline.

GeneDx
Classification: Uncertain significance. Last evaluated: 2021-07-29. Review status: criteria provided, single submitter. Criteria: GeneDx Variant Classification Process June 2021. Collection method: clinical testing. Allele origin: germline. Affected: yes.
Comment: Has not been previously published as pathogenic or benign to our knowledge; In silico analysis, which includes protein predictors and evolutionary conservation, supports that this variant does not alter protein structure/function

Johns Hopkins Genomics, Johns Hopkins University
Classification: Uncertain significance for Epiphyseal dysplasia, multiple, 3. Last evaluated: 2020-10-14. Review status: criteria provided, single submitter. Criteria: ACMG Guidelines, 2015. Collection method: clinical testing. Allele origin: germline.
Comment: This variant (rs376779544) is rare (<0.1%) in a large population dataset (gnomAD: 11/280136 total alleles; 0.004%; no homozygotes). COL9A3 c.753C>G has not been reported in ClinVar nor the literature, to our knowledge. Of three bioinformatics tools queried, two predict that the substitution would be tolerated, while one predicts that it would be damaging. The phenylalanine residue at this position is evolutionarily conserved across higher order mammals. Due to insufficient evidence, we consider the clinical significance of c.753C>G to be uncertain at this time.